The following is an entry in ClinVar:

ClinVar aggregate classification (germline): Conflicting classifications of pathogenicity. Review status: criteria provided, conflicting classifications (1 of 4 stars). 7 submissions from 7 submitters: Uncertain significance (1); Benign (1); Likely benign (5). Last evaluated 2025-12-01.

Conditions:
Hereditary cancer-predisposing syndrome. Also called: Hereditary neoplastic syndrome; Tumor predisposition; Neoplastic Syndromes, Hereditary; Hereditary Cancer Syndrome. Identifiers: Orphanet 140162, MedGen C0027672, MeSH D009386, MONDO:0015356.
Familial thoracic aortic aneurysm and aortic dissection (TAAD). Also called: Thoracic aortic aneurysms and dissections. Identifiers: Orphanet 91387, MedGen C4707243, MONDO:0019625.
Juvenile polyposis syndrome (JPS). Identifiers: Orphanet 2929, MedGen C0345893, MONDO:0017380, OMIM 174900.
Juvenile polyposis/hereditary hemorrhagic telangiectasia syndrome (JPHT). Also called: Juvenile Polyposis Syndrome / Hereditary Hemorrhagic Telangiectasia (JPS/HHT); JP/HHT SYNDROME; JUVENILE POLYPOSIS WITH HEREDITARY HEMORRHAGIC TELANGIECTASIA; POLYPOSIS, GENERALIZED JUVENILE, WITH PULMONARY ARTERIOVENOUS MALFORMATION; TELANGIECTASIA, HEREDITARY HEMORRHAGIC, WITH JUVENILE POLYPOSIS COLI. Identifiers: Orphanet 2929, MedGen C1832942, MONDO:0008278, OMIM 175050.

Allele frequency attached by ClinVar (database versions not stated): gnomAD exomes below 0.00001.
gnomAD v4.1: 1 of 1,614,208 alleles (0.000062%); highest among the groups gnomAD compares: Non-Finnish European, 0.000085%; no homozygotes.

Submissions (7):

Labcorp Genetics (formerly Invitae), Labcorp
Classification: Likely benign for Juvenile polyposis syndrome. Last evaluated: 2025-12-01. Review status: criteria provided, single submitter. Criteria: Invitae Variant Classification Sherloc (09022015). Collection method: clinical testing. Allele origin: germline.

Myriad Genetics, Inc.
Classification: Benign for Juvenile polyposis/hereditary hemorrhagic telangiectasia syndrome. Last evaluated: 2025-03-19. Review status: criteria provided, single submitter. Criteria: Myriad Autosomal Dominant, Autosomal Recessive and X-Linked Classification Criteria (2023). Collection method: clinical testing. Allele origin: unknown.
Comment: This variant is considered benign. This variant is a silent/synonymous amino acid change and it is not expected to impact splicing.

Center for Genomic Medicine, Rigshospitalet, Copenhagen University Hospital
Classification: Likely benign. Last evaluated: 2025-03-04. Review status: criteria provided, single submitter. Criteria: ACMG Guidelines, 2015. Collection method: clinical testing. Allele origin: germline.

All of Us Research Program, National Institutes of Health
Classification: Likely benign for Juvenile polyposis/hereditary hemorrhagic telangiectasia syndrome. Last evaluated: 2023-04-28. Review status: criteria provided, single submitter. Criteria: ACMG Guidelines, 2015. Collection method: clinical testing. Allele origin: germline. Inheritance: Autosomal dominant inheritance. Observed: 2 variant alleles, 2 heterozygotes.
Comment: This study involves interpretation of variants in research participants for the purpose of population health screening. Participant phenotype was not available at the time of variant classification. Additional details can be found in publication PMID: 35346344, PMCID: PMC8962531

Ambry Genetics
Classification: Likely benign for Hereditary cancer-predisposing syndrome; Familial thoracic aortic aneurysm and aortic dissection. Last evaluated: 2022-12-20. Review status: criteria provided, single submitter. Criteria: Ambry Variant Classification Scheme 2023. Collection method: clinical testing. Allele origin: germline.

GeneDx
Classification: Uncertain significance. Last evaluated: 2020-03-23. Review status: criteria provided, single submitter. Criteria: GeneDx Variant Classification Process June 2021. Collection method: clinical testing. Allele origin: germline. Affected: yes.
Comment: Not observed at a significant frequency in large population cohorts (Lek et al., 2016); In silico analysis supports that this variant does not alter splicing; Has not been previously published as pathogenic or benign to our knowledge

Color Diagnostics, LLC DBA Color Health
Classification: Likely benign for Hereditary cancer-predisposing syndrome. Last evaluated: 2017-09-05. Review status: criteria provided, single submitter. Criteria: ACMG Guidelines, 2015. Collection method: clinical testing. Allele origin: germline.

NM_005359.6(SMAD4):c.756A>G (p.Gly252=)

Gene: SMAD4 (SMAD family member 4; plus strand). Cytogenetic location: 18q21.2.
Variant type: single nucleotide variant.
Coding change: c.756A>G on transcript NM_005359.6 (MANE Select); coding-DNA position 756, A replaced by G.
Protein change: p.Gly252=; no amino-acid change (glycine 252 retained).
Molecular consequence: synonymous variant.
Genome position (GRCh38, 1-based): chr18:51,058,213, A>G. VCF-style: chr18-51058213-A-G. GRCh37 (hg19) VCF-style: chr18-48584583-A-G.
Identifiers: ClinVar variation 492493 (VCV000492493.29), dbSNP rs1244121412, ClinGen allele CA503993949.
Genomic context (GRCh38, chr18:51,058,213, plus strand): 5'-CCATAGTGAAGGACTGTTGCAGATAGCATCAGGGCCTCAGCCAGGACAGCAGCAGAATGG[A>G]TTTACTGGTCAGCCAGCTACTTACCATCATAGTATGTACATACTTTAAAAAATCTTTTAA-3'
Protein context (NP_005350.1, residues 242-262): SGPQPGQQQN[Gly252=]FTGQPATYHH